The following is an entry in ClinVar:

ClinVar aggregate classification (germline): Benign (0 of 4 stars; one submission).

Conditions:
SV2C-related disorder. Also called: SV2C-related condition.

Allele frequency attached by ClinVar (database versions not stated): 1000 Genomes Project 30x 0.46877; 1000 Genomes Project 0.47264; TOPMed 0.55776; gnomAD 0.58952; ESP Exome Variant Server 0.62564; ExAC 0.63285; gnomAD exomes 0.72072.
gnomAD v4.1: 1,140,874 of 1,613,672 alleles (71%); highest among the groups gnomAD compares: Non-Finnish European, 76%; 417,424 homozygotes.

Submission:

PreventionGenetics, part of Exact Sciences
Classification: Benign for SV2C-related condition. Last evaluated: 2019-10-16. Review status: no assertion criteria provided. Collection method: clinical testing. Allele origin: germline.
Comment: This variant is classified as benign based on ACMG/AMP sequence variant interpretation guidelines (Richards et al. 2015 PMID: 25741868, with internal and published modifications).

NM_014979.4(SV2C):c.360G>A (p.Arg120=)

Gene: SV2C (synaptic vesicle glycoprotein 2C; plus strand). Cytogenetic location: 5q13.3.
Variant type: single nucleotide variant.
Coding change: c.360G>A on transcript NM_014979.4 (MANE Select); coding-DNA position 360, G replaced by A.
Protein change: p.Arg120=; no amino-acid change (arginine 120 retained).
Molecular consequence: synonymous variant.
Genome position (GRCh38, 1-based): chr5:76,132,110, G>A. VCF-style: chr5-76132110-G-A. GRCh37 (hg19) VCF-style: chr5-75427935-G-A.
Other names: c.360G>A, p.Arg120= (NM_001297716.2).
Identifiers: ClinVar variation 3060767 (VCV003060767.2), dbSNP rs10070440, ClinGen allele CA3310808.